The following is an entry in ClinVar:

ClinVar aggregate classification (germline): Pathogenic. Review status: reviewed by expert panel (3 of 4 stars). 2 submissions from 2 submitters: Pathogenic (1). 1 of the submissions does not count toward it. Last evaluated 2016-09-08.

Conditions:
Breast-ovarian cancer, familial, susceptibility to, 1 (BROVCA1). Also called: OVARIAN CANCER, SUSCEPTIBILITY TO; BRCA1 Hereditary Breast and Ovarian Cancer. Identifiers: Orphanet 145, MedGen C2676676, MONDO:0011450, OMIM 604370. Disease mechanism: loss of function.

Submissions (2):

Evidence-based Network for the Interpretation of Germline Mutant Alleles (ENIGMA)
Classification: Pathogenic for Breast-ovarian cancer, familial, susceptibility to, 1. Last evaluated: 2016-09-08. Review status: reviewed by expert panel. Criteria: ENIGMA BRCA1/2 Classification Criteria (2015). Collection method: curation. Allele origin: germline.
Comment: Variant allele predicted to encode a truncated non-functional protein.

Breast Cancer Information Core (BIC) (BRCA1)
Classification: Pathogenic for Breast-ovarian cancer, familial 1. Last evaluated: 2004-02-20. Review status: no assertion criteria provided. Collection method: clinical testing. Allele origin: germline. Affected: yes. Observed: 1 variant allele. Not counted in ClinVar's aggregate classification.

NM_007294.4(BRCA1):c.2017del (p.Glu673fs)

Gene: BRCA1 (BRCA1 DNA repair associated; minus strand). Cytogenetic location: 17q21.31.
Variant type: Deletion.
Coding change: c.2017del on transcript NM_007294.4 (MANE Select); coding-DNA position 2017, one base deleted (G; older notation c.2017delG).
Protein change: p.Glu673fs; shifts the reading frame from glutamic acid 673.
Molecular consequence: frameshift variant. On other transcripts: intron variant (137).
Genome position (GRCh38, 1-based): chr17:43,093,514, C deleted on the plus strand (G on the coding strand, the reverse complement: BRCA1 is on the minus strand). VCF-style (leftmost placement, unchanged base first): chr17-43093513-TC-T. GRCh37 (hg19) VCF-style: chr17-41245530-TC-T.
Other names: 2136delG; c.2014del, p.Glu672fs (NM_001407627.1, NM_001407628.1, NM_001407629.1 and 22 more transcripts); c.2017del, p.Glu673fs (NM_001407639.1, NM_001407640.1, NM_001407641.1 and 30 more transcripts); c.2008del, p.Glu670fs (NM_001407646.1, NM_001407647.1); c.1894del, p.Glu632fs (NM_001407648.1, NM_001407664.1, NM_001407665.1 and 19 more transcripts); c.1891del, p.Glu631fs (NM_001407649.1, NM_001407670.1, NM_001407671.1 and 11 more transcripts); c.1939del, p.Glu647fs (NM_001407653.1, NM_001407654.1, NM_001407655.1 and 4 more transcripts); c.1936del, p.Glu646fs (NM_001407659.1, NM_001407660.1, NM_001407661.1 and 1 more transcripts); and 41 more; short protein forms E626fs, E673fs, E505fs, E584fs, E585fs, E603fs, E646fs, E546fs.
Identifiers: ClinVar variation 54437 (VCV000054437.3), dbSNP rs80357638, ClinGen allele CA001344.